The following is an entry in ClinVar:

ClinVar aggregate classification (germline): Uncertain significance (1 of 4 stars; one submission).

Conditions:
Hereditary cancer-predisposing syndrome. Also called: Neoplastic Syndromes, Hereditary; Tumor predisposition; Hereditary Cancer Syndrome; Hereditary neoplastic syndrome. Identifiers: Orphanet 140162, MedGen C0027672, MeSH D009386, MONDO:0015356.

Submission:

Ambry Genetics
Classification: Uncertain significance for Hereditary cancer-predisposing syndrome. Last evaluated: 2022-09-01. Review status: criteria provided, single submitter. Criteria: Ambry Variant Classification Scheme 2023. Collection method: clinical testing. Allele origin: germline.
Comment: The p.E74K variant (also known as c.220G>A), located in coding exon 2 of the PDGFRA gene, results from a G to A substitution at nucleotide position 220. The glutamic acid at codon 74 is replaced by lysine, an amino acid with similar properties. This amino acid position is conserved. In addition, the in silico prediction for this alteration is inconclusive. Since supporting evidence is limited at this time, the clinical significance of this alteration remains unclear.

NM_006206.6(PDGFRA):c.220G>A (p.Glu74Lys)

Gene: PDGFRA (platelet derived growth factor receptor alpha; plus strand). Cytogenetic location: 4q12.
Variant type: single nucleotide variant.
Coding change: c.220G>A on transcript NM_006206.6 (MANE Select); coding-DNA position 220, G replaced by A.
Protein change: p.Glu74Lys; replaces glutamic acid 74 with lysine.
Molecular consequence: missense variant.
Genome position (GRCh38, 1-based): chr4:54,261,265, G>A. VCF-style: chr4-54261265-G-A. GRCh37 (hg19) VCF-style: chr4-55127432-G-A.
Other names: c.220G>A, p.Glu74Lys (NM_001347827.2, NM_001347829.2); c.295G>A, p.Glu99Lys (NM_001347828.2); c.259G>A, p.Glu87Lys (NM_001347830.2); short protein forms E87K, E74K, E99K.
Identifiers: ClinVar variation 1787745 (VCV001787745.2), dbSNP rs2475422482, ClinGen allele CA356888521.